The following is an entry in ClinVar:

ClinVar aggregate classification (germline): Uncertain significance (1 of 4 stars; one submission).

Conditions:
LAMA2-related muscular dystrophy (LAMA2-RD). Also called: Laminin alpha 2-related dystrophy. Identifiers: MedGen C5679788, MONDO:0100228.

Submission:

Labcorp Genetics (formerly Invitae), Labcorp
Classification: Uncertain significance for LAMA2-related muscular dystrophy. Last evaluated: 2023-12-11. Review status: criteria provided, single submitter. Criteria: Invitae Variant Classification Sherloc (09022015). Collection method: clinical testing. Allele origin: germline.
Comment: This sequence change replaces threonine, which is neutral and polar, with asparagine, which is neutral and polar, at codon 2840 of the LAMA2 protein (p.Thr2840Asn). This variant is not present in population databases (gnomAD no frequency). This variant has not been reported in the literature in individuals affected with LAMA2-related conditions. ClinVar contains an entry for this variant (Variation ID: 1715533). Advanced modeling of protein sequence and biophysical properties (such as structural, functional, and spatial information, amino acid conservation, physicochemical variation, residue mobility, and thermodynamic stability) performed at Invitae indicates that this missense variant is not expected to disrupt LAMA2 protein function with a negative predictive value of 95%. In summary, the available evidence is currently insufficient to determine the role of this variant in disease. Therefore, it has been classified as a Variant of Uncertain Significance.

NM_000426.4(LAMA2):c.8519C>A (p.Thr2840Asn)

Gene: LAMA2 (laminin subunit alpha 2; plus strand). Cytogenetic location: 6q22.33.
Variant type: single nucleotide variant.
Coding change: c.8519C>A on transcript NM_000426.4 (MANE Select); coding-DNA position 8519, C replaced by A.
Protein change: p.Thr2840Asn; replaces threonine 2840 with asparagine.
Molecular consequence: missense variant.
Genome position (GRCh38, 1-based): chr6:129,503,252, C>A. VCF-style: chr6-129503252-C-A. GRCh37 (hg19) VCF-style: chr6-129824397-C-A.
Other names: c.8507C>A, p.Thr2836Asn (NM_001079823.2); short protein forms T2836N, T2840N.
Identifiers: ClinVar variation 1715533 (VCV001715533.6), dbSNP rs1263885360, ClinGen allele CA365634425.